The following is an entry in ClinVar:

NM_001001433.3(STX16):c.*2199C>T

Genes: STX16 (syntaxin 16; plus strand), STX16-NPEPL1 (STX16-NPEPL1 readthrough (NMD candidate); plus strand). Cytogenetic location: 20q13.32.
Variant type: single nucleotide variant.
Coding change: c.*2199C>T on transcript NM_001001433.3 (MANE Select); 2199 bases downstream of the stop codon, C replaced by T.
Molecular consequence: 3 prime UTR variant. On other transcripts: non-coding transcript variant (3).
Genome position (GRCh38, 1-based): chr20:58,678,490, C>T. VCF-style: chr20-58678490-C-T. GRCh37 (hg19) VCF-style: chr20-57253546-C-T.
Other names: c.*2199C>T (NM_001134772.3, NM_001134773.3, NM_001204868.2 and 1 more transcripts).
Identifiers: ClinVar variation 339094 (VCV000339094.6), dbSNP rs139818778, ClinGen allele CA10652721.
Genomic context (GRCh38, chr20:58,678,490, plus strand): 5'-AGGTCAGGAGTTCGAGACCAGCCTAGCCAACATGGTGAAACCCCGTCTCTACAAAAAATA[C>T]AAAAATTAGCCGGGTGGGACACGCCTGTAATCCCAGCTACTCAAGAGGCTGAGGCAGGAG-3'

ClinVar aggregate classification (germline): Benign. Review status: criteria provided, multiple submitters, no conflicts (2 of 4 stars). 2 submissions from 2 submitters: Benign (2). Last evaluated 2018-01-13.

Conditions:
Pseudohypoparathyroidism type 1B (PHP1B). Also called: PHP IB; Pseudohypoparathyroidism Ib (PHP-Ib); Pseudohypoparathyroidism Type IB. Identifiers: Orphanet 94089, MedGen C1864100, MONDO:0011301, OMIM 603233.

Allele frequency attached by ClinVar (database versions not stated): gnomAD 0.00317 and 0.00377; TOPMed 0.00456; 1000 Genomes Project 30x 0.00843; 1000 Genomes Project 0.00879.

Submissions (2):

Illumina Laboratory Services, Illumina
Classification: Benign for Pseudohypoparathyroidism type 1B. Last evaluated: 2018-01-13. Review status: criteria provided, single submitter. Criteria: ICSL Variant Classification Criteria 13 December 2019. Collection method: clinical testing. Allele origin: germline.
Comment: This variant was observed in the ICSL laboratory as part of a predisposition screen in an ostensibly healthy population. It had not been previously curated by ICSL or reported in the Human Gene Mutation Database (HGMD: prior to June 1st, 2018), and was therefore a candidate for classification through an automated scoring system. Utilizing variant allele frequency, disease prevalence and penetrance estimates, and inheritance mode, an automated score was calculated to assess if this variant is too frequent to cause the disease. Based on the score and internal cut-off values, a variant classified as benign is not then subjected to further curation. The score for this variant resulted in a classification of benign for this disease.

Breakthrough Genomics
Classification: Benign. Review status: criteria provided, single submitter. Criteria: ACMG Guidelines, 2015. Collection method: not provided. Allele origin: germline. Inheritance: Autosomal dominant inheritance. Affected: yes.